The following is an entry in ClinVar:

NM_018052.5(VAC14):c.1877G>A (p.Cys626Tyr)

Gene: VAC14 (VAC14 component of PIKFYVE complex; minus strand). Cytogenetic location: 16q22.1.
Variant type: single nucleotide variant.
Coding change: c.1877G>A on transcript NM_018052.5 (MANE Select); coding-DNA position 1877, G replaced by A.
Protein change: p.Cys626Tyr; replaces cysteine 626 with tyrosine.
Molecular consequence: missense variant.
Genome position (GRCh38, 1-based): chr16:70,697,217, C>T on the plus strand (G>A on the coding strand, the complement: VAC14 is on the minus strand). VCF-style: chr16-70697217-C-T. GRCh37 (hg19) VCF-style: chr16-70731120-C-T.
Other names: c.1175G>A, p.Cys392Tyr (NM_001351157.2); short protein forms C626Y, C392Y.
Identifiers: ClinVar variation 3637289 (VCV003637289.2).

ClinVar aggregate classification (germline): Uncertain significance (1 of 4 stars; one submission).

Submission:

Labcorp Genetics (formerly Invitae), Labcorp
Classification: Uncertain significance. Last evaluated: 2025-02-03. Review status: criteria provided, single submitter. Criteria: Invitae Variant Classification Sherloc (09022015). Collection method: clinical testing. Allele origin: germline.
Comment: This sequence change replaces cysteine, which is neutral and slightly polar, with tyrosine, which is neutral and polar, at codon 626 of the VAC14 protein (p.Cys626Tyr). This variant is not present in population databases (gnomAD no frequency). This variant has not been reported in the literature in individuals affected with VAC14-related conditions. Invitae Evidence Modeling of protein sequence and biophysical properties (such as structural, functional, and spatial information, amino acid conservation, physicochemical variation, residue mobility, and thermodynamic stability) indicates that this missense variant is expected to disrupt VAC14 protein function with a positive predictive value of 80%. In summary, the available evidence is currently insufficient to determine the role of this variant in disease. Therefore, it has been classified as a Variant of Uncertain Significance.